The following is an entry in ClinVar:

ClinVar aggregate classification (germline): Likely benign (1 of 4 stars; one submission).

Submissions (2):

GeneDx
Classification: Likely benign. Last evaluated: 2016-10-27. Review status: criteria provided, single submitter. Criteria: GeneDx Variant Classification (06012015). Collection method: clinical testing. Allele origin: germline. Affected: yes.
Comment: This variant is considered likely benign or benign based on one or more of the following criteria: it is a conservative change, it occurs at a poorly conserved position in the protein, it is predicted to be benign by multiple in silico algorithms, and/or has population frequency not consistent with disease.

Seelig Lab, University of Washington
No classification provided (evidence only). Review status: no classification provided. Collection method: in vitro. Allele origin: not applicable. Functional consequence: effect on translation. Not counted in ClinVar's aggregate classification.
ClinVar note: "not provided" was previously submitted as the classification for the variant. However, the classification appeared to be based only on an observation of functional data so it was converted to no classification on 2025-07-30.

NM_005359.6(SMAD4):c.-39T>A

Gene: SMAD4 (SMAD family member 4; plus strand). Cytogenetic location: 18q21.2.
Variant type: single nucleotide variant.
Coding change: c.-39T>A on transcript NM_005359.6 (MANE Select); 39 bases upstream of the start codon, T replaced by A.
Molecular consequence: 5 prime UTR variant.
Genome position (GRCh38, 1-based): chr18:51,047,008, T>A. VCF-style: chr18-51047008-T-A. GRCh37 (hg19) VCF-style: chr18-48573378-T-A.
Identifiers: ClinVar variation 390388 (VCV000390388.3), dbSNP rs1057523754, ClinGen allele CA16607982.